The following is an entry in ClinVar:

NM_014009.4(FOXP3):c.494C>T (p.Pro165Leu)

Gene: FOXP3 (forkhead box P3; minus strand). Cytogenetic location: Xp11.23.
Variant type: single nucleotide variant.
Coding change: c.494C>T on transcript NM_014009.4 (MANE Select); coding-DNA position 494, C replaced by T.
Protein change: p.Pro165Leu; replaces proline 165 with leucine.
Molecular consequence: missense variant.
Genome position (GRCh38, 1-based): chrX:49,256,973, G>A on the plus strand (C>T on the coding strand, the complement: FOXP3 is on the minus strand). VCF-style: chrX-49256973-G-A. GRCh37 (hg19) VCF-style: chrX-49113430-G-A.
Other names: c.389C>T, p.Pro130Leu (NM_001114377.2); short protein forms P165L, P130L.
Identifiers: ClinVar variation 1397166 (VCV001397166.7), dbSNP rs1279942582, ClinGen allele CA412952487.

ClinVar aggregate classification (germline): Uncertain significance. Review status: criteria provided, multiple submitters, no conflicts (2 of 4 stars). 2 submissions from 2 submitters: Uncertain significance (2). Last evaluated 2025-08-29.

Conditions:
Insulin-dependent diabetes mellitus secretory diarrhea syndrome (IPEX). Also called: Immune dysregulation-polyendocrinopathy-enteropathy-X-linked syndrome; IMMUNODEFICIENCY, POLYENDOCRINOPATHY, AND ENTEROPATHY, X-LINKED; DIABETES MELLITUS, CONGENITAL INSULIN-DEPENDENT, WITH FATAL SECRETORY DIARRHEA; DIARRHEA, POLYENDOCRINOPATHY, FATAL INFECTION SYNDROME, X-LINKED; ENTEROPATHY, AUTOIMMUNE, WITH HEMOLYTIC ANEMIA AND POLYENDOCRINOPATHY; Immunodysregulation, polyendocrinopathy, and enteropathy, X-linked. Identifiers: Orphanet 37042, MedGen C0342288, MONDO:0010580, OMIM 304790. Disease mechanism: loss of function.

Allele frequency attached by ClinVar (database versions not stated): gnomAD 0.00001; TOPMed 0.00003.

Submissions (2):

Labcorp Genetics (formerly Invitae), Labcorp
Classification: Uncertain significance for Insulin-dependent diabetes mellitus secretory diarrhea syndrome. Last evaluated: 2025-08-29. Review status: criteria provided, single submitter. Criteria: Invitae Variant Classification Sherloc (09022015). Collection method: clinical testing. Allele origin: germline.
Comment: This sequence change replaces proline, which is neutral and non-polar, with leucine, which is neutral and non-polar, at codon 165 of the FOXP3 protein (p.Pro165Leu). This variant is not present in population databases (gnomAD no frequency). This variant has not been reported in the literature in individuals affected with FOXP3-related conditions. ClinVar contains an entry for this variant (Variation ID: 1397166). Invitae Evidence Modeling of protein sequence and biophysical properties (such as structural, functional, and spatial information, amino acid conservation, physicochemical variation, residue mobility, and thermodynamic stability) indicates that this missense variant is not expected to disrupt FOXP3 protein function with a negative predictive value of 80%. In summary, the available evidence is currently insufficient to determine the role of this variant in disease. Therefore, it has been classified as a Variant of Uncertain Significance.

Fulgent Genetics
Classification: Uncertain significance for Insulin-dependent diabetes mellitus secretory diarrhea syndrome. Last evaluated: 2022-03-02. Review status: criteria provided, single submitter. Criteria: ACMG Guidelines, 2015. Collection method: clinical testing. Allele origin: unknown.